The following is an entry in ClinVar:

ClinVar aggregate classification (germline): Uncertain significance. Review status: criteria provided, multiple submitters, no conflicts (2 of 4 stars). 3 submissions from 3 submitters: Uncertain significance (3). Last evaluated 2025-05-12.

Conditions:
Pulmonary fibrosis and/or bone marrow failure, Telomere-related, 3. Also called: PULMONARY FIBROSIS AND/OR BONE MARROW FAILURE SYNDROME, TELOMERE-RELATED, 3. Identifiers: Orphanet 2032, MedGen C4225346, MONDO:0014613, OMIM 616373.
Dyskeratosis congenita, autosomal recessive 5 (DKCB5). Identifiers: MedGen C3554656, MONDO:0014076, OMIM 615190.
Inborn genetic diseases. Identifiers: MedGen C0950123, MeSH D030342.

Allele frequency attached by ClinVar (database versions not stated): gnomAD exomes below 0.00001; TOPMed 0.00002; gnomAD 0.00001.
gnomAD v4.1: 3 of 1,612,204 alleles (0.00019%); highest among the groups gnomAD compares: Non-Finnish European, 0.00017%; no homozygotes.

Submissions (3):

Mayo Clinic Laboratories, Mayo Clinic
Classification: Uncertain significance. Last evaluated: 2025-05-12. Review status: criteria provided, single submitter. Criteria: ACMG Guidelines, 2015. Collection method: clinical testing. Allele origin: germline. Observed: 1 variant allele.
Comment: BP4_moderate, PM2_supporting

Labcorp Genetics (formerly Invitae), Labcorp
Classification: Uncertain significance for Dyskeratosis congenita, autosomal recessive 5; Pulmonary fibrosis and/or bone marrow failure, Telomere-related, 3. Last evaluated: 2025-05-05. Review status: criteria provided, single submitter. Criteria: Invitae Variant Classification Sherloc (09022015). Collection method: clinical testing. Allele origin: germline.
Comment: This sequence change replaces histidine, which is basic and polar, with aspartic acid, which is acidic and polar, at codon 854 of the RTEL1 protein (p.His854Asp). This variant is not present in population databases (gnomAD no frequency). This variant has not been reported in the literature in individuals affected with RTEL1-related conditions. ClinVar contains an entry for this variant (Variation ID: 1354858). An algorithm developed to predict the effect of missense changes on protein structure and function (PolyPhen-2) suggests that this variant is likely to be tolerated. In summary, the available evidence is currently insufficient to determine the role of this variant in disease. Therefore, it has been classified as a Variant of Uncertain Significance.

Ambry Genetics
Classification: Uncertain significance for Inborn genetic diseases. Last evaluated: 2024-11-21. Review status: criteria provided, single submitter. Criteria: Ambry Variant Classification Scheme 2023. Collection method: clinical testing. Allele origin: germline.
Comment: The p.H854D variant (also known as c.2560C>G), located in coding exon 27 of the RTEL1 gene, results from a C to G substitution at nucleotide position 2560. The histidine at codon 854 is replaced by aspartic acid, an amino acid with similar properties. This amino acid position is conserved. In addition, this alteration is predicted to be tolerated by in silico analysis. Based on the available evidence, the clinical significance of this variant remains unclear.

NM_001283009.2(RTEL1):c.2560C>G (p.His854Asp)

Genes: RTEL1 (regulator of telomere elongation helicase 1; plus strand), RTEL1-TNFRSF6B (RTEL1-TNFRSF6B readthrough (NMD candidate); plus strand). Cytogenetic location: 20q13.33.
Variant type: single nucleotide variant.
Coding change: c.2560C>G on transcript NM_001283009.2 (MANE Select); coding-DNA position 2560, C replaced by G.
Protein change: p.His854Asp; replaces histidine 854 with aspartic acid.
Molecular consequence: missense variant. On other transcripts: non-coding transcript variant (1).
Genome position (GRCh38, 1-based): chr20:63,691,745, C>G. VCF-style: chr20-63691745-C-G. GRCh37 (hg19) VCF-style: chr20-62323098-C-G.
Other names: p.His878Asp; c.1891C>G, p.His631Asp (NM_001283010.1); c.2560C>G, p.His854Asp (NM_016434.4); c.2632C>G, p.His878Asp (NM_032957.5); short protein forms H631D, H878D, H854D.
Identifiers: ClinVar variation 1354858 (VCV001354858.7), dbSNP rs780005986, ClinGen allele CA317518449.